The following is an entry in ClinVar:

ClinVar aggregate classification (germline): Uncertain significance (1 of 4 stars; one submission).

Conditions:
Aortic aneurysm, familial thoracic 8 (AAT8). Identifiers: MedGen C3809513, MONDO:0014187, OMIM 615436.

Allele frequency attached by ClinVar (database versions not stated): gnomAD exomes below 0.00001.
gnomAD v4.1: 1 of 1,613,046 alleles (0.000062%); highest among the groups gnomAD compares: Non-Finnish European, 0.000085%; no homozygotes.

Submission:

Labcorp Genetics (formerly Invitae), Labcorp
Classification: Uncertain significance for Aortic aneurysm, familial thoracic 8. Last evaluated: 2023-05-15. Review status: criteria provided, single submitter. Criteria: Invitae Variant Classification Sherloc (09022015). Collection method: clinical testing. Allele origin: germline.
Comment: This sequence change falls in intron 6 of the PRKG1 gene. It does not directly change the encoded amino acid sequence of the PRKG1 protein. It affects a nucleotide within the consensus splice site. This variant is not present in population databases (gnomAD no frequency). This variant has not been reported in the literature in individuals affected with PRKG1-related conditions. ClinVar contains an entry for this variant (Variation ID: 1438834). Variants that disrupt the consensus splice site are a relatively common cause of aberrant splicing (PMID: 17576681, 9536098). Algorithms developed to predict the effect of sequence changes on RNA splicing suggest that this variant is not likely to affect RNA splicing. In summary, the available evidence is currently insufficient to determine the role of this variant in disease. Therefore, it has been classified as a Variant of Uncertain Significance.

Literature cited by the submitters: PubMed 17576681; PubMed 9536098.

NM_006258.4(PRKG1):c.840+6C>G

Gene: PRKG1 (protein kinase cGMP-dependent 1; plus strand). Cytogenetic location: 10q21.1.
Variant type: single nucleotide variant.
Coding change: c.840+6C>G on transcript NM_006258.4 (MANE Select); 6 bases into the intron after coding-DNA position 840, C replaced by G.
Molecular consequence: intron variant.
Genome position (GRCh38, 1-based): chr10:52,054,567, C>G. VCF-style: chr10-52054567-C-G. GRCh37 (hg19) VCF-style: chr10-53814327-C-G.
Other names: c.795+6C>G (NM_001098512.3); c.840+6C>G (NM_001374782.1); c.-370+6C>G (NM_001374781.1).
Identifiers: ClinVar variation 1438834 (VCV001438834.6), dbSNP rs2133254762, ClinGen allele CA2573145116.
Genomic context (GRCh38, chr10:52,054,567, plus strand): 5'-TATTATCAGGCAAGGTGCAAGAGGGGACACCTTCTTTATCATCAGCAAAGGAACGGTAAG[C>G]TTTGGTGGCACAAGACAGTGATGCACTAGGGGAGCCTGGGGTTGGTTAGTAACTCCAGTA-3'